The following is an entry in ClinVar:

ClinVar aggregate classification (germline): Uncertain significance. Review status: criteria provided, multiple submitters, no conflicts (2 of 4 stars). 2 submissions from 2 submitters: Uncertain significance (2). Last evaluated 2023-05-21.

Conditions:
Hereditary cancer-predisposing syndrome. Also called: Hereditary Cancer Syndrome; Neoplastic Syndromes, Hereditary; Tumor predisposition; Hereditary neoplastic syndrome. Identifiers: Orphanet 140162, MedGen C0027672, MeSH D009386, MONDO:0015356.
Cardiovascular phenotype. Identifiers: MedGen CN230736.
Neurofibromatosis, type 1 (NF1). Also called: NEUROFIBROMATOSIS, TYPE I, SOMATIC; VON RECKLINGHAUSEN DISEASE; Peripheral type neurofibromatosis; Neurofibromatosis, type I. Identifiers: Orphanet 636, MedGen C0027831, MONDO:0018975, OMIM 162200. Disease mechanism: loss of function.

Submissions (2):

Ambry Genetics
Classification: Uncertain significance for Cardiovascular phenotype; Hereditary cancer-predisposing syndrome. Last evaluated: 2023-05-21. Review status: criteria provided, single submitter. Criteria: Ambry Variant Classification Scheme 2023. Collection method: clinical testing. Allele origin: germline.
Comment: The p.Q1272L variant (also known as c.3815A>T), located in coding exon 28 of the NF1 gene, results from an A to T substitution at nucleotide position 3815. The glutamine at codon 1272 is replaced by leucine, an amino acid with dissimilar properties. This amino acid position is conserved. In addition, this alteration is predicted to be deleterious by in silico analysis. Since supporting evidence is limited at this time, the clinical significance of this alteration remains unclear.

Labcorp Genetics (formerly Invitae), Labcorp
Classification: Uncertain significance for Neurofibromatosis, type 1. Last evaluated: 2018-08-18. Review status: criteria provided, single submitter. Criteria: Invitae Variant Classification Sherloc (09022015). Collection method: clinical testing. Allele origin: germline.
Comment: In summary, the available evidence is currently insufficient to determine the role of this variant in disease. Therefore, it has been classified as a Variant of Uncertain Significance. Algorithms developed to predict the effect of missense changes on protein structure and function are either unavailable or do not agree on the potential impact of this missense change (SIFT: "Tolerated"; PolyPhen-2: "Possibly Damaging"; Align-GVGD: "Class C0"). This variant has not been reported in the literature in individuals with NF1-related disease. This variant is not present in population databases (ExAC no frequency). This sequence change replaces glutamine with leucine at codon 1272 of the NF1 protein (p.Gln1272Leu). The glutamine residue is moderately conserved and there is a moderate physicochemical difference between glutamine and leucine.

NM_001042492.3(NF1):c.3815A>T (p.Gln1272Leu)

Gene: NF1 (neurofibromin 1; plus strand). Cytogenetic location: 17q11.2.
Variant type: single nucleotide variant.
Coding change: c.3815A>T on transcript NM_001042492.3 (MANE Select); coding-DNA position 3815, A replaced by T.
Protein change: p.Gln1272Leu; replaces glutamine 1272 with leucine.
Molecular consequence: missense variant.
Genome position (GRCh38, 1-based): chr17:31,235,717, A>T. VCF-style: chr17-31235717-A-T. GRCh37 (hg19) VCF-style: chr17-29562735-A-T.
Other names: c.3815A>T, p.Gln1272Leu (NM_000267.4); short protein forms Q1272L.
Identifiers: ClinVar variation 639218 (VCV000639218.6), dbSNP rs1597722580, ClinGen allele CA398992711.